The following is an entry in ClinVar:

NM_203447.4(DOCK8):c.2272C>T (p.Arg758Cys)

Gene: DOCK8 (dedicator of cytokinesis 8; plus strand). Cytogenetic location: 9p24.3.
Variant type: single nucleotide variant.
Coding change: c.2272C>T on transcript NM_203447.4 (MANE Select); coding-DNA position 2272, C replaced by T.
Protein change: p.Arg758Cys; replaces arginine 758 with cysteine.
Molecular consequence: missense variant.
Genome position (GRCh38, 1-based): chr9:377,043, C>T. VCF-style: chr9-377043-C-T. GRCh37 (hg19) VCF-style: chr9-377043-C-T.
Other names: c.2068C>T, p.Arg690Cys (NM_001190458.2, NM_001193536.2); c.2272C>T (NM_203447.3); short protein forms R690C, R758C.
Identifiers: ClinVar variation 1502437 (VCV001502437.6), dbSNP rs749523267, ClinGen allele CA4958152.

ClinVar aggregate classification (germline): Uncertain significance. Review status: criteria provided, multiple submitters, no conflicts (2 of 4 stars). 2 submissions from 2 submitters: Uncertain significance (2). Last evaluated 2024-02-26.

Conditions:
Inborn genetic diseases. Identifiers: MedGen C0950123, MeSH D030342.

Allele frequency attached by ClinVar (database versions not stated): gnomAD exomes 0.00003; gnomAD 0.00011; TOPMed 0.00015; ExAC 0.00003.
gnomAD v4.1: 38 of 1,613,900 alleles (0.0024%); highest among the groups gnomAD compares: African/African-American, 0.029%; no homozygotes.

Submissions (2):

Labcorp Genetics (formerly Invitae), Labcorp
Classification: Uncertain significance for Combined immunodeficiency due to DOCK8 deficiency. Last evaluated: 2024-02-26. Review status: criteria provided, single submitter. Criteria: Invitae Variant Classification Sherloc (09022015). Collection method: clinical testing. Allele origin: germline.
Comment: This sequence change replaces arginine, which is basic and polar, with cysteine, which is neutral and slightly polar, at codon 758 of the DOCK8 protein (p.Arg758Cys). This variant is present in population databases (rs749523267, gnomAD 0.03%). This variant has not been reported in the literature in individuals affected with DOCK8-related conditions. ClinVar contains an entry for this variant (Variation ID: 1502437). Advanced modeling of protein sequence and biophysical properties (such as structural, functional, and spatial information, amino acid conservation, physicochemical variation, residue mobility, and thermodynamic stability) performed at Invitae indicates that this missense variant is expected to disrupt DOCK8 protein function with a positive predictive value of 80%. In summary, the available evidence is currently insufficient to determine the role of this variant in disease. Therefore, it has been classified as a Variant of Uncertain Significance.

Ambry Genetics
Classification: Uncertain significance for Inborn genetic diseases. Last evaluated: 2022-05-10. Review status: criteria provided, single submitter. Criteria: Ambry Variant Classification Scheme 2023. Collection method: clinical testing. Allele origin: germline.